The following is an entry in ClinVar:

ClinVar aggregate classification (germline): Uncertain significance (1 of 4 stars; one submission).

Conditions:
PLXNA4-related disorder. Also called: PLXNA4-related condition.

gnomAD v4.1: 12 of 1,606,074 alleles (0.00075%); highest among the groups gnomAD compares: Non-Finnish European, 0.00094%; no homozygotes.

Submission:

PreventionGenetics, part of Exact Sciences
Classification: Uncertain significance for PLXNA4-related condition. Last evaluated: 2026-06-06. Review status: criteria provided, single submitter. Criteria: ACMG Guidelines, 2015. Collection method: clinical testing. Allele origin: germline.
Comment: The PLXNA4 c.65C>T variant is predicted to result in the amino acid substitution p.Ser22Phe. To our knowledge, this variant has not been reported in the literature. This variant is reported in 0.0019% of alleles in individuals of European (Non-Finnish) descent in gnomAD. At this time, the clinical significance of this variant is uncertain due to the absence of conclusive functional and genetic evidence.

NM_020911.2(PLXNA4):c.65C>T (p.Ser22Phe)

Gene: PLXNA4 (plexin A4; minus strand). Cytogenetic location: 7q32.3.
Variant type: single nucleotide variant.
Coding change: c.65C>T on transcript NM_020911.2 (MANE Select); coding-DNA position 65, C replaced by T.
Protein change: p.Ser22Phe; replaces serine 22 with phenylalanine.
Molecular consequence: missense variant.
Genome position (GRCh38, 1-based): chr7:132,508,629, G>A on the plus strand (C>T on the coding strand, the complement: PLXNA4 is on the minus strand). VCF-style: chr7-132508629-G-A. GRCh37 (hg19) VCF-style: chr7-132193388-G-A.
Other names: c.65C>T, p.Ser22Phe (NM_001105543.2, NM_001393897.1, NM_181775.4); short protein forms S22F.
Identifiers: ClinVar variation 4986486 (VCV004986486.1).